The following is an entry in ClinVar:

NM_001267550.2(TTN):c.35249T>C (p.Ile11750Thr)

Gene: TTN (titin; minus strand). Cytogenetic location: 2q31.2.
Variant type: single nucleotide variant.
Coding change: c.35249T>C on transcript NM_001267550.2 (MANE Select); coding-DNA position 35249, T replaced by C.
Protein change: p.Ile11750Thr; replaces isoleucine 11750 with threonine.
Molecular consequence: missense variant. On other transcripts: intron variant (3).
Genome position (GRCh38, 1-based): chr2:178,671,149, A>G on the plus strand (T>C on the coding strand, the complement: TTN is on the minus strand). VCF-style: chr2-178671149-A-G. GRCh37 (hg19) VCF-style: chr2-179535876-A-G.
Other names: c.31346T>C, p.Ile10449Thr (NM_133378.4); c.34127T>C, p.Ile11376Thr (NM_001256850.1); c.13283-28832T>C (NM_003319.4); c.13859-28832T>C (NM_133437.4); c.13658-28832T>C (NM_133432.3); short protein forms I11750T, I11376T.
Identifiers: ClinVar variation 96281 (VCV000096281.13), dbSNP rs398124447, ClinGen allele CA223927.

ClinVar aggregate classification (germline): Conflicting classifications of pathogenicity. Review status: criteria provided, conflicting classifications (1 of 4 stars). 4 submissions from 4 submitters: Uncertain significance (3); Likely benign (1). Last evaluated 2026-09-01.

Conditions:
TTN-related disorder. Also called: TTN-related disorders; TTN-related condition; TTN-related disease.

Allele frequency attached by ClinVar (database versions not stated): ExAC 0.00001; TOPMed 0.00002; gnomAD 0.00003.
gnomAD v4.1: 34 of 1,602,748 alleles (0.0021%); highest among the groups gnomAD compares: Admixed American, 0.058%; 1 homozygote.

Submissions (4):

PreventionGenetics, part of Exact Sciences
Classification: Uncertain significance for TTN-related condition. Last evaluated: 2026-09-01. Review status: criteria provided, single submitter. Criteria: ACMG Guidelines, 2015. Collection method: clinical testing. Allele origin: germline.
Comment: The TTN c.35249T>C variant is predicted to result in the amino acid substitution p.Ile11750Thr. To our knowledge, this variant has not been reported in the literature. This variant is reported in 0.027% of alleles in individuals of Latino descent in gnomAD. At this time, the clinical significance of this variant is uncertain due to the absence of conclusive functional and genetic evidence.

GeneDx
Classification: Likely benign. Last evaluated: 2020-12-10. Review status: criteria provided, single submitter. Criteria: GeneDx Variant Classification Process June 2021. Collection method: clinical testing. Allele origin: germline. Affected: yes.

Revvity Omics, Revvity
Classification: Uncertain significance. Last evaluated: 2019-10-09. Review status: criteria provided, single submitter. Criteria: ACMG Guidelines, 2015. Collection method: clinical testing. Allele origin: germline.

Eurofins Ntd Llc (ga)
Classification: Uncertain significance. Last evaluated: 2013-07-30. Review status: criteria provided, single submitter. Criteria: EGL Classification Definitions 2015. Collection method: clinical testing. Allele origin: germline. Observed: 2 variant alleles, 2 heterozygotes.